The following is an entry in ClinVar:

NM_020937.4(FANCM):c.2859A>C (p.Lys953Asn)

Gene: FANCM (FA complementation group M; plus strand). Cytogenetic location: 14q21.2.
Variant type: single nucleotide variant.
Coding change: c.2859A>C on transcript NM_020937.4 (MANE Select); coding-DNA position 2859, A replaced by C.
Protein change: p.Lys953Asn; replaces lysine 953 with asparagine.
Molecular consequence: missense variant.
Genome position (GRCh38, 1-based): chr14:45,175,613, A>C. VCF-style: chr14-45175613-A-C. GRCh37 (hg19) VCF-style: chr14-45644816-A-C.
Other names: c.2859A>C (LRG_502t1); c.2781A>C, p.Lys927Asn (NM_001308133.2); short protein forms K953N, K927N.
Identifiers: ClinVar variation 313209 (VCV000313209.71), dbSNP rs142864437, ClinGen allele CA7169420.

ClinVar aggregate classification (germline): Conflicting classifications of pathogenicity. Review status: criteria provided, conflicting classifications (1 of 4 stars). 12 submissions from 12 submitters: Uncertain significance (5); Likely benign (5). 2 of the submissions do not count toward it. Last evaluated 2026-07-01.

Conditions:
Hereditary cancer-predisposing syndrome. Also called: Tumor predisposition; Neoplastic Syndromes, Hereditary; Hereditary neoplastic syndrome; Hereditary Cancer Syndrome. Identifiers: Orphanet 140162, MedGen C0027672, MeSH D009386, MONDO:0015356.
Fanconi anemia (FA). Also called: Fanconi's anemia. Identifiers: Orphanet 84, MedGen C0015625, MeSH D005199, MONDO:0019391.
Spermatogenic failure 28. Identifiers: MedGen C4748117, MONDO:0054732, OMIM 618086.
Hepatoblastoma. Identifiers: Orphanet 449, MedGen C0206624, MONDO:0018666, HP:0002884.
FANCM-related disorder. Also called: FANCM-related condition.
Premature ovarian failure 15. Identifiers: MedGen C4748170, MONDO:0054862, OMIM 618096.

Allele frequency attached by ClinVar (database versions not stated): gnomAD 0.00064; TOPMed 0.00112; ESP Exome Variant Server 0.00169.
gnomAD v4.1: 3,008 of 1,613,606 alleles (0.19%); highest among the groups gnomAD compares: Non-Finnish European, 0.24%; 4 homozygotes.

Submissions (12):

CeGaT Center for Human Genetics Tuebingen
Classification: Likely benign. Last evaluated: 2026-07-01. Review status: criteria provided, single submitter. Criteria: CeGaT Center For Human Genetics Tuebingen Variant Classification Criteria Version 2. Collection method: clinical testing. Allele origin: germline. Affected: yes. Observed: 7 variant alleles.
Comment: FANCM: BP4

GeneDx
Classification: Uncertain significance. Last evaluated: 2026-06-05. Review status: criteria provided, single submitter. Criteria: GeneDx Variant Classification Process June 2021. Collection method: clinical testing. Allele origin: germline.
Comment: Observed in individuals with breast, ovarian, colon, and other cancers (PMID: 27498913, 27713038, 28678401, 28881617, 29351780, 32522261, 34326862); In silico analysis supports that this missense variant has a deleterious effect on protein structure/function; This variant is associated with the following publications: (PMID: 27713038, 28678401, 29351780, 28881617, 27498913, 35495172, 32522261, 34326862, 38093606, 41477467)

Labcorp Genetics (formerly Invitae), Labcorp
Classification: Likely benign for Fanconi anemia. Last evaluated: 2026-01-26. Review status: criteria provided, single submitter. Criteria: Invitae Variant Classification Sherloc (09022015). Collection method: clinical testing. Allele origin: germline.

Quest Diagnostics Nichols Institute San Juan Capistrano
Classification: Likely benign. Last evaluated: 2025-07-15. Review status: criteria provided, single submitter. Criteria: Quest Diagnostics criteria. Collection method: clinical testing. Allele origin: unknown.

Blueprint Genetics
Classification: Likely benign. Last evaluated: 2024-11-26. Review status: criteria provided, single submitter. Criteria: ACMG Guidelines, 2015. Collection method: clinical testing. Allele origin: germline.

Baylor Genetics
Classification: Uncertain significance for Spermatogenic failure 28. Last evaluated: 2022-01-11. Review status: criteria provided, single submitter. Criteria: ACMG Guidelines, 2015. Collection method: clinical testing. Allele origin: unknown. Affected: yes. Study: CSER-TexasKidsCanSeq.
Comment: This variant was determined to be of uncertain significance according to ACMG Guidelines, 2015 [PMID:25741868].

Institute for Clinical Genetics, University Hospital TU Dresden, University Hospital TU Dresden
Classification: Uncertain significance. Last evaluated: 2021-11-03. Review status: criteria provided, single submitter. Criteria: ACMG Guidelines, 2015. Collection method: clinical testing. Allele origin: germline.

Sema4
Classification: Likely benign for Hereditary cancer-predisposing syndrome. Last evaluated: 2021-03-14. Review status: criteria provided, single submitter. Criteria: Sema4 Curation Guidelines. Collection method: curation. Allele origin: germline.

Genetic Services Laboratory, University of Chicago
Classification: Uncertain significance. Last evaluated: 2020-04-22. Review status: criteria provided, single submitter. Criteria: ACMG Guidelines, 2015. Collection method: clinical testing. Allele origin: germline. Affected: no.
Comment: DNA sequence analysis of the FANCM gene demonstrated a sequence change, c.2859A>C, in exon 14 that results in an amino acid change, p.Lys953Asn. This sequence change does not appear to have been previously described in patients with FANCM-related disorders and has been described in the gnomAD database with a low population frequency of 0.19% in the non-Finnish European subpopulation (dbSNP rs142864437). The p.Lys953Asn change affects a poorly conserved amino acid residue located in a domain of the FANCM protein that is not known to be functional. In-silico pathogenicity prediction tools (SIFT, PolyPhen2, Align GVGD, REVEL) provide contradictory results for the p.Lys953Asn substitution. Due to these contrasting evidences and the lack of functional studies, the clinical significance of the p.Lys953Asn change remains unknown at this time.

Fulgent Genetics
Classification: Uncertain significance for Spermatogenic failure 28; Premature ovarian failure 15. Last evaluated: 2018-10-31. Review status: criteria provided, single submitter. Criteria: ACMG Guidelines, 2015. Collection method: clinical testing. Allele origin: unknown.

PreventionGenetics, part of Exact Sciences
Classification: Likely benign for FANCM-related condition. Last evaluated: 2023-11-29. Review status: no assertion criteria provided. Collection method: clinical testing. Allele origin: germline. Not counted in ClinVar's aggregate classification.
Comment: This variant is classified as likely benign based on ACMG/AMP sequence variant interpretation guidelines (Richards et al. 2015 PMID: 25741868, with internal and published modifications).

Molecular Oncology -  Human Genetics Lab, University of Sao Paulo
Classification: Uncertain significance for Hepatoblastoma. Review status: no assertion criteria provided. Collection method: research. Allele origin: germline. Affected: yes. Not counted in ClinVar's aggregate classification.

Literature cited by the submitters: PubMed 32522261 (cited by Quest Diagnostics Nichols Institute San Juan Capistrano); PubMed 35495172 (cited by Quest Diagnostics Nichols Institute San Juan Capistrano); PubMed 34326862 (cited by Quest Diagnostics Nichols Institute San Juan Capistrano); PubMed 29351780 (cited by Quest Diagnostics Nichols Institute San Juan Capistrano); PubMed 28881617 (cited by Quest Diagnostics Nichols Institute San Juan Capistrano); PubMed 28678401 (cited by Quest Diagnostics Nichols Institute San Juan Capistrano).